The following is an entry in ClinVar:

ClinVar aggregate classification (germline): Likely pathogenic (1 of 4 stars; one submission).

Conditions:
Cataract 14 multiple types. Also called: CATARACT 14, ZONULAR PULVERULENT; CATARACT 14, NUCLEAR PULVERULENT; CATARACT 14, NUCLEAR PULVERULENT AND POSTERIOR POLAR; CATARACT 14, NUCLEAR CORALLIFORM; CATARACT 14, EMBRYONAL NUCLEAR; CATARACT 14, COPPOCK-LIKE. Identifiers: Orphanet 91492, MedGen C1866078, MONDO:0011162, OMIM 601885.

Submission:

Dept. Genetics and Cancer, Menzies Institute for Medical Research, University of Tasmania
Classification: Likely pathogenic for Cataract 14 multiple types. Last evaluated: 2023-01-21. Review status: criteria provided, single submitter. Criteria: ACMG Guidelines, 2015. Collection method: curation. Allele origin: germline. Affected: yes.
Comment: Variant identified and curated during a GJA3 specific review of the literature in relation to pediatric or congenital cataract. ACMG-AMP criteria applied: PVS1(Strong), PM2(Supporting), PP1. Original variant report: PMID:29461512. The cataract phenotype reported for this variant is: Nuclear. Additional phenotype/s reported in these individual/s are: secondary glaucoma. Gene review and curation guidelines are outlined in: DOI 10.1080/17469899.2023.2160320

Literature cited by the submitters: PubMed 29461512.

NM_021954.4(GJA3):c.950dup (p.His318fs)

Gene: GJA3 (gap junction protein alpha 3; minus strand). Cytogenetic location: 13q12.11.
Variant type: Duplication.
Coding change: c.950dup on transcript NM_021954.4 (MANE Select); coding-DNA position 950, one base duplicated (G; older notation c.950dupG).
Protein change: p.His318fs; shifts the reading frame from histidine 318.
Molecular consequence: frameshift variant.
Genome position (GRCh38, 1-based): chr13:20,142,339, C duplicated on the plus strand (G on the coding strand, the reverse complement: GJA3 is on the minus strand); the first of 2 consecutive C bases (chr13:20,142,339-20,142,340); duplicating either gives the same sequence. VCF-style (leftmost placement, unchanged base first): chr13-20142338-G-GC. GRCh37 (hg19) VCF-style: chr13-20716477-G-GC.
Other names: short protein forms H318fs.
Identifiers: ClinVar variation 3253698 (VCV003253698.1), dbSNP rs2500169079.